The following is an entry in ClinVar:

ClinVar aggregate classification (germline): Uncertain significance (1 of 4 stars; one submission).

Conditions:
Inborn genetic diseases. Identifiers: MedGen C0950123, MeSH D030342.

Submission:

Ambry Genetics
Classification: Uncertain significance for Inborn genetic diseases. Last evaluated: 2025-05-23. Review status: criteria provided, single submitter. Criteria: Ambry Variant Classification Scheme 2023. Collection method: clinical testing. Allele origin: germline.
Comment: The p.N384S variant (also known as c.1151A>G), located in coding exon 3 of the MBD4 gene, results from an A to G substitution at nucleotide position 1151. The asparagine at codon 384 is replaced by serine, an amino acid with highly similar properties. This amino acid position is conserved. In addition, this alteration is predicted to be tolerated by in silico analysis. Based on the available evidence, the clinical significance of this variant remains unclear.

NM_001276270.2(MBD4):c.1151A>G (p.Asn384Ser)

Gene: MBD4 (methyl-CpG binding domain 4, DNA glycosylase; minus strand). Cytogenetic location: 3q21.3.
Variant type: single nucleotide variant.
Coding change: c.1151A>G on transcript NM_001276270.2 (MANE Select); coding-DNA position 1151, A replaced by G.
Protein change: p.Asn384Ser; replaces asparagine 384 with serine.
Molecular consequence: missense variant. On other transcripts: intron variant (1).
Genome position (GRCh38, 1-based): chr3:129,436,493, T>C on the plus strand (A>G on the coding strand, the complement: MBD4 is on the minus strand). VCF-style: chr3-129436493-T-C. GRCh37 (hg19) VCF-style: chr3-129155336-T-C.
Other names: c.1151A>G, p.Asn384Ser (NM_001276271.2, NM_001276272.2, NM_003925.3); c.247+1315A>G (NM_001276273.2); short protein forms N384S.
Identifiers: ClinVar variation 4052237 (VCV004052237.1).
Genomic context (GRCh38, chr3:129,436,493, plus strand): 5'-CACTGGATACCTTGAAATATTTTCTCACCAGTGAAGTCTTTCCTGGTTGGTGAGCAGTTG[T>C]TGTCCATTTCAGAGCCACGTTTTAAAATGTCAGTATGCAAATGTTCTTTCCTTTCCACAA-3'
Protein context (NP_001263199.1, residues 374-394): DILKRGSEMD[Asn384Ser]NCSPTRKDFT